The following is an entry in ClinVar:

ClinVar aggregate classification (germline): Pathogenic (1 of 4 stars; one submission).

Conditions:
CHARGE syndrome (CHARGE). Also called: Hittner Hirsch Kreh syndrome; CHARGE ASSOCIATION--COLOBOMA, HEART ANOMALY, CHOANAL ATRESIA, RETARDATION, GENITAL AND EAR ANOMALIES; Coloboma, heart anomaly, choanal atresia, retardation, genital and ear anomalies; CHARGE association; Hall-Hittner syndrome. Identifiers: Orphanet 138, MedGen C0265354, MONDO:0008965.

Submission:

3billion
Classification: Pathogenic for CHD7-related CHARGE syndrome. Last evaluated: 2024-09-05. Review status: criteria provided, single submitter. Criteria: ACMG Guidelines, 2015. Collection method: clinical testing. Allele origin: germline. Affected: yes.
Comment: The variant is not observed in the gnomAD v4.0.0 dataset. Predicted Consequence/Location: Stop-gained (nonsense): predicted to result in a loss or disruption of normal protein function through nonsense-mediated decay (NMD) or protein truncation. Multiple pathogenic variants are reported downstream of the variant. The variant has been reported to be associated with CHD7 related disorder (PMID: 22461308). Therefore, this variant is classified as Pathogenic according to the recommendation of ACMG/AMP guideline.

Literature cited by the submitters: PubMed 22461308.

NM_017780.4(CHD7):c.6196G>T (p.Glu2066Ter)

Gene: CHD7 (chromodomain helicase DNA binding protein 7; plus strand). Cytogenetic location: 8q12.2.
Variant type: single nucleotide variant.
Coding change: c.6196G>T on transcript NM_017780.4 (MANE Select); coding-DNA position 6196, G replaced by T.
Protein change: p.Glu2066Ter; replaces glutamic acid 2066 with a stop codon.
Molecular consequence: nonsense. On other transcripts: intron variant (1).
Genome position (GRCh38, 1-based): chr8:60,852,921, G>T. VCF-style: chr8-60852921-G-T. GRCh37 (hg19) VCF-style: chr8-61765480-G-T.
Other names: c.1717-9308G>T (NM_001316690.1); short protein forms E2066*.
Identifiers: ClinVar variation 4292659 (VCV004292659.1).